The following is an entry in ClinVar:

NM_000180.4(GUCY2D):c.103C>G (p.Arg35Gly)

Gene: GUCY2D (guanylate cyclase 2D, retinal; plus strand). Cytogenetic location: 17p13.1.
Variant type: single nucleotide variant.
Coding change: c.103C>G on transcript NM_000180.4 (MANE Select); coding-DNA position 103, C replaced by G.
Protein change: p.Arg35Gly; replaces arginine 35 with glycine.
Molecular consequence: missense variant.
Genome position (GRCh38, 1-based): chr17:8,003,150, C>G. VCF-style: chr17-8003150-C-G. GRCh37 (hg19) VCF-style: chr17-7906468-C-G.
Other names: c.103C>G (NM_000180.3); short protein forms R35G.
Identifiers: ClinVar variation 1514500 (VCV001514500.6), dbSNP rs1423033093, ClinGen allele CA397942742.

ClinVar aggregate classification (germline): Uncertain significance. Review status: criteria provided, multiple submitters, no conflicts (2 of 4 stars). 4 submissions from 4 submitters: Uncertain significance (4). Last evaluated 2023-05-24.

Conditions:
Inborn genetic diseases. Identifiers: MedGen C0950123, MeSH D030342.
Leber congenital amaurosis 1 (LCA1). Also called: AMAUROSIS CONGENITA OF LEBER I; Congenital absence of the rods and cones; Leber's congenital tapetoretinal degeneration; Leber's congenital tapetoretinal dysplasia; RETINAL BLINDNESS, CONGENITAL. Identifiers: Orphanet 65, MedGen C2931258, MONDO:0008764, OMIM 204000.
Cone-rod dystrophy 6 (CORD6). Also called: Cone dystrophy progressive; RETINAL CONE DYSTROPHY 2. Identifiers: Orphanet 1872, MedGen C1866293, MONDO:0011143, OMIM 601777.

Allele frequency attached by ClinVar (database versions not stated): 1000 Genomes Project 30x 0.00031.
gnomAD v4.1: 11 of 1,509,136 alleles (0.00073%); highest among the groups gnomAD compares: Middle Eastern, 0.021%; no homozygotes.

Submissions (4):

Ambry Genetics
Classification: Uncertain significance for Inborn genetic diseases. Last evaluated: 2023-05-24. Review status: criteria provided, single submitter. Criteria: Ambry Variant Classification Scheme 2023. Collection method: clinical testing. Allele origin: germline.

Labcorp Genetics (formerly Invitae), Labcorp
Classification: Uncertain significance for Leber congenital amaurosis 1; Cone-rod dystrophy 6. Last evaluated: 2022-03-17. Review status: criteria provided, single submitter. Criteria: Invitae Variant Classification Sherloc (09022015). Collection method: clinical testing. Allele origin: germline.
Comment: This sequence change replaces arginine, which is basic and polar, with glycine, which is neutral and non-polar, at codon 35 of the GUCY2D protein (p.Arg35Gly). This variant is not present in population databases (gnomAD no frequency). This variant has not been reported in the literature in individuals affected with GUCY2D-related conditions. Algorithms developed to predict the effect of missense changes on protein structure and function (SIFT, PolyPhen-2, Align-GVGD) all suggest that this variant is likely to be tolerated. In summary, the available evidence is currently insufficient to determine the role of this variant in disease. Therefore, it has been classified as a Variant of Uncertain Significance.

Blueprint Genetics
Classification: Uncertain significance. Last evaluated: 2022-03-11. Review status: criteria provided, single submitter. Criteria: ACMG Guidelines, 2015. Collection method: clinical testing. Allele origin: germline.

Breakthrough Genomics
Classification: Uncertain significance. Review status: criteria provided, single submitter. Criteria: ACMG Guidelines, 2015. Collection method: not provided. Allele origin: germline. Inheritance: Autosomal recessive inheritance. Affected: yes.